The following is an entry in ClinVar:

NM_000264.5(PTCH1):c.1597T>G (p.Phe533Val)

Gene: PTCH1 (patched 1; minus strand). Cytogenetic location: 9q22.32.
Variant type: single nucleotide variant.
Coding change: c.1597T>G on transcript NM_000264.5 (MANE Select); coding-DNA position 1597, T replaced by G.
Protein change: p.Phe533Val; replaces phenylalanine 533 with valine.
Molecular consequence: missense variant. On other transcripts: non-coding transcript variant (1).
Genome position (GRCh38, 1-based): chr9:95,476,764, A>C on the plus strand (T>G on the coding strand, the complement: PTCH1 is on the minus strand). VCF-style: chr9-95476764-A-C. GRCh37 (hg19) VCF-style: chr9-98239046-A-C.
Other names: c.1399T>G, p.Phe467Val (NM_001083602.3); c.1594T>G, p.Phe532Val (NM_001083603.3); c.1144T>G, p.Phe382Val (NM_001083604.3, NM_001083605.3, NM_001083606.3 and 1 more transcripts); c.1441T>G, p.Phe481Val (NM_001354918.2); short protein forms F481V, F533V, F532V, F382V, F467V.
Identifiers: ClinVar variation 1776033 (VCV001776033.2), dbSNP rs2538199117, ClinGen allele CA374118155.

ClinVar aggregate classification (germline): Uncertain significance (1 of 4 stars; one submission).

Conditions:
Hereditary cancer-predisposing syndrome. Also called: Neoplastic Syndromes, Hereditary; Tumor predisposition; Hereditary Cancer Syndrome; Hereditary neoplastic syndrome. Identifiers: Orphanet 140162, MedGen C0027672, MeSH D009386, MONDO:0015356.

Submission:

Ambry Genetics
Classification: Uncertain significance for Hereditary cancer-predisposing syndrome. Last evaluated: 2019-11-14. Review status: criteria provided, single submitter. Criteria: Ambry Variant Classification Scheme 2023. Collection method: clinical testing. Allele origin: germline.
Comment: The p.F533V variant (also known as c.1597T>G), located in coding exon 11 of the PTCH1 gene, results from a T to G substitution at nucleotide position 1597. The phenylalanine at codon 533 is replaced by valine, an amino acid with highly similar properties. This amino acid position is highly conserved in available vertebrate species. In addition, this alteration is predicted to be deleterious by in silico analysis. Since supporting evidence is limited at this time, the clinical significance of this alteration remains unclear.